The following is an entry in ClinVar:

ClinVar aggregate classification (germline): Uncertain significance. Review status: criteria provided, multiple submitters, no conflicts (2 of 4 stars). 2 submissions from 2 submitters: Uncertain significance (2). Last evaluated 2024-07-25.

Conditions:
Inborn genetic diseases. Identifiers: MedGen C0950123, MeSH D030342.

Allele frequency attached by ClinVar (database versions not stated): gnomAD 0.00001; TOPMed 0.00004; ExAC 0.00005; gnomAD exomes 0.00005; ESP Exome Variant Server 0.00008.
gnomAD v4.1: 73 of 1,613,236 alleles (0.0045%); highest among the groups gnomAD compares: East Asian, 0.0067%; no homozygotes.

Submissions (2):

Ambry Genetics
Classification: Uncertain significance for Inborn genetic diseases. Last evaluated: 2024-07-25. Review status: criteria provided, single submitter. Criteria: Ambry Variant Classification Scheme 2023. Collection method: clinical testing. Allele origin: germline.

Labcorp Genetics (formerly Invitae), Labcorp
Classification: Uncertain significance. Last evaluated: 2022-07-28. Review status: criteria provided, single submitter. Criteria: Invitae Variant Classification Sherloc (09022015). Collection method: clinical testing. Allele origin: germline.
Comment: This sequence change replaces glycine, which is neutral and non-polar, with arginine, which is basic and polar, at codon 1739 of the ITGB4 protein (p.Gly1739Arg). This variant is present in population databases (rs370673042, gnomAD 0.01%). This variant has not been reported in the literature in individuals affected with ITGB4-related conditions. Algorithms developed to predict the effect of missense changes on protein structure and function are either unavailable or do not agree on the potential impact of this missense change (SIFT: "Not Available"; PolyPhen-2: "Possibly Damaging"; Align-GVGD: "Not Available"). In summary, the available evidence is currently insufficient to determine the role of this variant in disease. Therefore, it has been classified as a Variant of Uncertain Significance.

NM_000213.5(ITGB4):c.5425G>A (p.Gly1809Arg)

Genes: GALK1 (galactokinase 1; minus strand), ITGB4 (integrin subunit beta 4; plus strand). Cytogenetic location: 17q25.1.
Variant type: single nucleotide variant.
Coding change: c.5425G>A on transcript NM_000213.5 (MANE Select); coding-DNA position 5425, G replaced by A.
Protein change: p.Gly1809Arg; replaces glycine 1809 with arginine.
Molecular consequence: missense variant. On other transcripts: intron variant (1).
Genome position (GRCh38, 1-based): chr17:75,757,511, G>A. VCF-style: chr17-75757511-G-A. GRCh37 (hg19) VCF-style: chr17-73753592-G-A.
Other names: c.5374G>A, p.Gly1792Arg (NM_001005619.2); c.5215G>A, p.Gly1739Arg (NM_001005731.3, NM_001321123.2); c.5065G>A, p.Gly1689Arg (NM_001438834.1); c.*22+523C>T (NM_001381985.1); short protein forms G1739R, G1792R, G1809R, G1689R.
Identifiers: ClinVar variation 2414126 (VCV002414126.41), dbSNP rs370673042, ClinGen allele CA8770603.